The following is an entry in ClinVar:

ClinVar aggregate classification (germline): Uncertain significance (1 of 4 stars; one submission).

Conditions:
Ehlers-Danlos syndrome, musculocontractural type 2 (EDSMC2). Identifiers: Orphanet 2953, MedGen C3809845, MONDO:0014236, OMIM 615539.

Submission:

Labcorp Genetics (formerly Invitae), Labcorp
Classification: Uncertain significance for Ehlers-Danlos syndrome, musculocontractural type 2. Last evaluated: 2022-06-17. Review status: criteria provided, single submitter. Criteria: Invitae Variant Classification Sherloc (09022015). Collection method: clinical testing. Allele origin: germline.
Comment: This sequence change replaces glycine, which is neutral and non-polar, with arginine, which is basic and polar, at codon 643 of the DSE protein (p.Gly643Arg). Information on the frequency of this variant in the gnomAD database is not available, as this variant may be reported differently in the database. This variant has not been reported in the literature in individuals affected with DSE-related conditions. In summary, the available evidence is currently insufficient to determine the role of this variant in disease. Therefore, it has been classified as a Variant of Uncertain Significance.

NM_013352.4(DSE):c.1926_1927inv (p.Gly643Arg)

Gene: DSE (dermatan sulfate epimerase; plus strand). Cytogenetic location: 6q22.1.
Variant type: Inversion.
Coding change: c.1926_1927inv on transcript NM_013352.4 (MANE Select).
Protein change: p.Gly643Arg; replaces glycine 643 with arginine.
Molecular consequence: missense variant. On other transcripts: 3 prime UTR variant (2), non-coding transcript variant (1).
Genome position: GRCh38 VCF-style: chr6-116436394-TG-CA. GRCh37 (hg19) VCF-style: chr6-116757557-TG-CA.
Other names: c.1926_1927inv, p.Gly643Arg (NM_001080976.3, NM_001322937.2, NM_001322938.2); c.1983_1984inv, p.Gly662Arg (NM_001322939.2); c.1365_1366inv, p.Gly456Arg (NM_001322940.2, NM_001322941.2); c.*791_*792inv (NM_001322943.2, NM_001322944.2); c.927_928inv, p.Gly310Arg (NM_001374520.1); c.891_892inv, p.Gly298Arg (NM_001374521.1); short protein forms G456R, G643R, G662R, G298R, G310R.
Identifiers: ClinVar variation 2196393 (VCV002196393.1), ClinGen allele CA2580074803.